The following is an entry in ClinVar:

NM_000548.5(TSC2):c.648+6_649-166del

Gene: TSC2 (TSC complex subunit 2; plus strand). Cytogenetic location: 16p13.3.
Variant type: Deletion.
Coding change: c.648+6_649-166del on transcript NM_000548.5 (MANE Select); 6 bases into the intron after coding-DNA position 648 through 166 bases into the intron before coding-DNA position 649, 229 bases deleted.
Molecular consequence: splice donor variant.
Genome position (GRCh38, 1-based): chr16:2,056,250-2,056,478, 229 bases deleted. GRCh37 (hg19): chr16:2,106,251-2,106,479.
Other names: c.648+6_649-166del (NM_001114382.3, NM_021055.3, NM_001370405.1 and 3 more transcripts); c.537+6_538-166del (NM_001318827.2); c.48+6_49-166del (NM_001318831.2); c.501+6_502-166del (NM_001318829.2); c.681+6_682-166del (NM_001318832.2).
Identifiers: ClinVar variation 1998294 (VCV001998294.4), dbSNP rs2548450995, ClinGen allele CA2580090692.

ClinVar aggregate classification (germline): Uncertain significance (1 of 4 stars; one submission).

Conditions:
Tuberous sclerosis 2 (TSC2). Identifiers: Orphanet 805, MedGen C1860707, MONDO:0013199, OMIM 613254.

Submission:

Labcorp Genetics (formerly Invitae), Labcorp
Classification: Uncertain significance for Tuberous sclerosis 2. Last evaluated: 2022-05-24. Review status: criteria provided, single submitter. Criteria: Invitae Variant Classification Sherloc (09022015). Collection method: clinical testing. Allele origin: germline.
Comment: Variants that disrupt the consensus splice site are a relatively common cause of aberrant splicing (PMID: 17576681, 9536098). Algorithms developed to predict the effect of sequence changes on RNA splicing suggest that this variant may disrupt the consensus splice site. This variant has not been reported in the literature in individuals affected with TSC2-related conditions. This variant is not present in population databases (gnomAD no frequency). This sequence change falls in intron 7 of the TSC2 gene. It does not directly change the encoded amino acid sequence of the TSC2 protein. It affects a nucleotide within the consensus splice site. In summary, the available evidence is currently insufficient to determine the role of this variant in disease. Therefore, it has been classified as a Variant of Uncertain Significance.

Literature cited by the submitters: PubMed 17576681; PubMed 9536098.